The following is an entry in ClinVar:

NM_000717.5(CA4):c.105C>T (p.Pro35=)

Gene: CA4 (carbonic anhydrase 4; plus strand). Cytogenetic location: 17q23.1.
Variant type: single nucleotide variant.
Coding change: c.105C>T on transcript NM_000717.5 (MANE Select); coding-DNA position 105, C replaced by T.
Protein change: p.Pro35=; no amino-acid change (proline 35 retained).
Molecular consequence: synonymous variant. On other transcripts: non-coding transcript variant (1).
Genome position (GRCh38, 1-based): chr17:60,155,360, C>T. VCF-style: chr17-60155360-C-T. GRCh37 (hg19) VCF-style: chr17-58232721-C-T.
Other names: c.105C>T (NM_000717.4).
Identifiers: ClinVar variation 1154463 (VCV001154463.10), dbSNP rs548966631, ClinGen allele CA292203662.

ClinVar aggregate classification (germline): Likely benign. Review status: criteria provided, multiple submitters, no conflicts (2 of 4 stars). 2 submissions from 2 submitters: Likely benign (2). Last evaluated 2024-11-17.

Conditions:
CA4-related disorder. Also called: CA4-related condition.

Allele frequency attached by ClinVar (database versions not stated): gnomAD exomes below 0.00001; gnomAD 0.00001; TOPMed 0.00001.
gnomAD v4.1: 6 of 1,609,452 alleles (0.00037%); highest among the groups gnomAD compares: African/African-American, 0.0027%; no homozygotes.

Submissions (2):

PreventionGenetics, part of Exact Sciences
Classification: Likely benign for CA4-related condition. Last evaluated: 2024-11-17. Review status: criteria provided, single submitter. Criteria: ACMG Guidelines, 2015. Collection method: clinical testing. Allele origin: germline.
Comment: This variant is classified as likely benign based on ACMG/AMP sequence variant interpretation guidelines (Richards et al. 2015 PMID: 25741868, with internal and published modifications).

Labcorp Genetics (formerly Invitae), Labcorp
Classification: Likely benign. Last evaluated: 2022-03-10. Review status: criteria provided, single submitter. Criteria: Invitae Variant Classification Sherloc (09022015). Collection method: clinical testing. Allele origin: germline.